The following is an entry in ClinVar:

ClinVar aggregate classification (germline): Uncertain significance (1 of 4 stars; one submission).

Conditions:
Cardiovascular phenotype. Identifiers: MedGen CN230736.

gnomAD v4.1: 2 of 1,611,012 alleles (0.00012%); highest among the groups gnomAD compares: Non-Finnish European, 0.00017%; no homozygotes.

Submission:

Ambry Genetics
Classification: Uncertain significance for Cardiovascular phenotype. Last evaluated: 2026-06-06. Review status: criteria provided, single submitter. Criteria: Ambry Variant Classification Scheme 2023. Collection method: clinical testing. Allele origin: germline.
Comment: The p.E1898G variant (also known as c.5693A>G), located in coding exon 14 of the ALPK3 gene, results from an A to G substitution at nucleotide position 5693. The glutamic acid at codon 1898 is replaced by glycine, an amino acid with similar properties. This amino acid position is conserved. In addition, this alteration is predicted to be tolerated by in silico analysis. Based on the available evidence, the clinical significance of this variant remains unclear.

NM_020778.5(ALPK3):c.5087A>G (p.Glu1696Gly)

Gene: ALPK3 (alpha kinase 3; plus strand). Cytogenetic location: 15q25.3.
Variant type: single nucleotide variant.
Coding change: c.5087A>G on transcript NM_020778.5 (MANE Select); coding-DNA position 5087, A replaced by G.
Protein change: p.Glu1696Gly; replaces glutamic acid 1696 with glycine.
Molecular consequence: missense variant.
Genome position (GRCh38, 1-based): chr15:84,868,425, A>G. VCF-style: chr15-84868425-A-G. GRCh37 (hg19) VCF-style: chr15-85411656-A-G.
Other names: short protein forms E1696G.
Identifiers: ClinVar variation 4871341 (VCV004871341.1).